The following is an entry in ClinVar:

ClinVar aggregate classification (germline): Uncertain significance. Review status: criteria provided, multiple submitters, no conflicts (2 of 4 stars). 3 submissions from 3 submitters: Uncertain significance (3). Last evaluated 2025-01-18.

Conditions:
Familial thoracic aortic aneurysm and aortic dissection (TAAD). Also called: Thoracic aortic aneurysms and dissections. Identifiers: Orphanet 91387, MedGen C4707243, MONDO:0019625.
Aortic aneurysm, familial thoracic 7 (AAT7). Also called: AORTIC DISSECTION, FAMILIAL, WITH OR WITHOUT AORTIC ANEURYSM. Identifiers: MedGen C3151077, MONDO:0013418, OMIM 613780.

Allele frequency attached by ClinVar (database versions not stated): gnomAD 0.00001; gnomAD exomes 0.00001; TOPMed 0.00001.
gnomAD v4.1: 12 of 1,613,028 alleles (0.00074%); highest among the groups gnomAD compares: Non-Finnish European, 0.00093%; no homozygotes.

Submissions (3):

Labcorp Genetics (formerly Invitae), Labcorp
Classification: Uncertain significance for Aortic aneurysm, familial thoracic 7. Last evaluated: 2025-01-18. Review status: criteria provided, single submitter. Criteria: Invitae Variant Classification Sherloc (09022015). Collection method: clinical testing. Allele origin: germline.
Comment: This sequence change replaces arginine, which is basic and polar, with glutamine, which is neutral and polar, at codon 179 of the MYLK protein (p.Arg179Gln). This variant is present in population databases (no rsID available, gnomAD 0.003%). This variant has not been reported in the literature in individuals affected with MYLK-related conditions. ClinVar contains an entry for this variant (Variation ID: 938482). Invitae Evidence Modeling of protein sequence and biophysical properties (such as structural, functional, and spatial information, amino acid conservation, physicochemical variation, residue mobility, and thermodynamic stability) indicates that this missense variant is not expected to disrupt MYLK protein function with a negative predictive value of 95%. In summary, the available evidence is currently insufficient to determine the role of this variant in disease. Therefore, it has been classified as a Variant of Uncertain Significance.

Ambry Genetics
Classification: Uncertain significance for Familial thoracic aortic aneurysm and aortic dissection. Last evaluated: 2025-01-05. Review status: criteria provided, single submitter. Criteria: Ambry Variant Classification Scheme 2023. Collection method: clinical testing. Allele origin: germline.
Comment: The p.R179Q variant (also known as c.536G>A), located in coding exon 4 of the MYLK gene, results from a G to A substitution at nucleotide position 536. The arginine at codon 179 is replaced by glutamine, an amino acid with highly similar properties. This variant has been reported in a cohort of subjects with a variety of cardiac conditions (Schweizer PA et al. J Am Coll Cardiol, 2017 Mar;69:1209-1210). This amino acid position is well conserved in available vertebrate species. In addition, the in silico prediction for this alteration is inconclusive. Based on the available evidence, the clinical significance of this variant remains unclear.

GeneDx
Classification: Uncertain significance. Last evaluated: 2024-06-17. Review status: criteria provided, single submitter. Criteria: GeneDx Variant Classification Process June 2021. Collection method: clinical testing. Allele origin: germline. Affected: yes.
Comment: Observed in an individual with familial thoracic aortic aneurysm in conjunction with an HCN4 variant (PMID: 28254188); Not observed at significant frequency in large population cohorts (gnomAD); In silico analysis indicates that this missense variant does not alter protein structure/function; This variant is associated with the following publications: (PMID: 28254188)

Literature cited by the submitters: PubMed 28254188 (cited by Ambry Genetics).

NM_053025.4(MYLK):c.536G>A (p.Arg179Gln)

Gene: MYLK (myosin light chain kinase; minus strand). Cytogenetic location: 3q21.1.
Variant type: single nucleotide variant.
Coding change: c.536G>A on transcript NM_053025.4 (MANE Select); coding-DNA position 536, G replaced by A.
Protein change: p.Arg179Gln; replaces arginine 179 with glutamine.
Molecular consequence: missense variant.
Genome position (GRCh38, 1-based): chr3:123,738,949, C>T on the plus strand (G>A on the coding strand, the complement: MYLK is on the minus strand). VCF-style: chr3-123738949-C-T. GRCh37 (hg19) VCF-style: chr3-123457796-C-T.
Other names: c.8G>A, p.Arg3Gln (NM_001321309.2); c.536G>A, p.Arg179Gln (NM_053026.4, NM_053027.4, NM_053028.4); short protein forms R179Q, R3Q.
Identifiers: ClinVar variation 938482 (VCV000938482.9), dbSNP rs1052930526, ClinGen allele CA82945467.